The following is an entry in ClinVar:

NM_001378120.1(MBD5):c.2305G>T (p.Val769Phe)

Gene: MBD5 (methyl-CpG binding domain protein 5; plus strand). Cytogenetic location: 2q23.1.
Variant type: single nucleotide variant.
Coding change: c.2305G>T on transcript NM_001378120.1 (MANE Select); coding-DNA position 2305, G replaced by T.
Protein change: p.Val769Phe; replaces valine 769 with phenylalanine.
Molecular consequence: missense variant.
Genome position (GRCh38, 1-based): chr2:148,470,248, G>T. VCF-style: chr2-148470248-G-T. GRCh37 (hg19) VCF-style: chr2-149227817-G-T.
Other names: c.2305G>T, p.Val769Phe (NM_018328.5); short protein forms V769F.
Identifiers: ClinVar variation 3124050 (VCV003124050.2), dbSNP rs375333284, ClinGen allele CA1900121.

ClinVar aggregate classification (germline): Conflicting classifications of pathogenicity. Review status: criteria provided, conflicting classifications (1 of 4 stars). 2 submissions from 2 submitters: Uncertain significance (1); Likely benign (1). Last evaluated 2025-09-15.

Conditions:
Intellectual developmental disorder, autosomal dominant 1. Also called: Intellectual disability, autosomal dominant 1; MBD5 Haploinsufficiency. Identifiers: Orphanet 228402, MedGen C1969562, MONDO:0007974, OMIM 156200.
Inborn genetic diseases. Identifiers: MedGen C0950123, MeSH D030342.

gnomAD v4.1: 9 of 1,613,822 alleles (0.00056%); highest among the groups gnomAD compares: South Asian, 0.0077%; no homozygotes.

Submissions (2):

Labcorp Genetics (formerly Invitae), Labcorp
Classification: Uncertain significance for Intellectual developmental disorder, autosomal dominant 1. Last evaluated: 2025-09-15. Review status: criteria provided, single submitter. Criteria: Invitae Variant Classification Sherloc (09022015). Collection method: clinical testing. Allele origin: germline.
Comment: This sequence change replaces valine, which is neutral and non-polar, with phenylalanine, which is neutral and non-polar, at codon 769 of the MBD5 protein (p.Val769Phe). This variant is present in population databases (rs375333284, gnomAD 0.01%). This variant has not been reported in the literature in individuals affected with MBD5-related conditions. ClinVar contains an entry for this variant (Variation ID: 3124050). Invitae Evidence Modeling of protein sequence and biophysical properties (such as structural, functional, and spatial information, amino acid conservation, physicochemical variation, residue mobility, and thermodynamic stability) indicates that this missense variant is not expected to disrupt MBD5 protein function with a negative predictive value of 80%. In summary, the available evidence is currently insufficient to determine the role of this variant in disease. Therefore, it has been classified as a Variant of Uncertain Significance.

Ambry Genetics
Classification: Likely benign for Inborn genetic diseases. Last evaluated: 2024-01-23. Review status: criteria provided, single submitter. Criteria: Ambry Variant Classification Scheme 2023. Collection method: clinical testing. Allele origin: germline.